The following is an entry in ClinVar:

ClinVar aggregate classification (germline): Uncertain significance (1 of 4 stars; one submission).

gnomAD v4.1: 1 of 1,614,096 alleles (0.000062%); highest among the groups gnomAD compares: African/African-American, 0.0013%; no homozygotes.

Submission:

GeneDx
Classification: Uncertain significance. Last evaluated: 2025-03-05. Review status: criteria provided, single submitter. Criteria: GeneDx Variant Classification Process June 2021. Collection method: clinical testing. Allele origin: germline. Affected: yes.
Comment: Not observed at significant frequency in large population cohorts (gnomAD); In silico analysis supports that this missense variant has a deleterious effect on protein structure/function; Has not been previously published as pathogenic or benign to our knowledge

NM_003221.4(TFAP2B):c.1238C>G (p.Ala413Gly)

Gene: TFAP2B (transcription factor AP-2 beta; plus strand). Cytogenetic location: 6p12.3.
Variant type: single nucleotide variant.
Coding change: c.1238C>G on transcript NM_003221.4 (MANE Select); coding-DNA position 1238, C replaced by G.
Protein change: p.Ala413Gly; replaces alanine 413 with glycine.
Molecular consequence: missense variant.
Genome position (GRCh38, 1-based): chr6:50,843,247, C>G. VCF-style: chr6-50843247-C-G. GRCh37 (hg19) VCF-style: chr6-50810960-C-G.
Other names: short protein forms A413G.
Identifiers: ClinVar variation 4083022 (VCV004083022.1).